The following is an entry in ClinVar:

ClinVar aggregate classification (germline): Likely benign. Review status: criteria provided, multiple submitters, no conflicts (2 of 4 stars). 4 submissions from 4 submitters: Likely benign (3). 1 of the submissions does not count toward it. Last evaluated 2026-01-25.

Conditions:
PLEKHM2-related disorder. Also called: PLEKHM2-related condition.

Allele frequency attached by ClinVar (database versions not stated): 1000 Genomes Project 0.00040; 1000 Genomes Project 30x 0.00047; ESP Exome Variant Server 0.00088; gnomAD 0.00129 and 0.00170; gnomAD exomes 0.00130 and 0.00184; TOPMed 0.00200; ExAC 0.00235.
gnomAD v4.1: 2,920 of 1,592,154 alleles (0.18%); highest among the groups gnomAD compares: Admixed American, 0.31%; 5 homozygotes.

Submissions (4):

Labcorp Genetics (formerly Invitae), Labcorp
Classification: Likely benign. Last evaluated: 2026-01-25. Review status: criteria provided, single submitter. Criteria: Invitae Variant Classification Sherloc (09022015). Collection method: clinical testing. Allele origin: germline.

Blueprint Genetics
Classification: Likely benign. Last evaluated: 2024-11-06. Review status: criteria provided, single submitter. Criteria: ACMG Guidelines, 2015. Collection method: clinical testing. Allele origin: germline.

Breakthrough Genomics
Classification: Likely benign. Review status: criteria provided, single submitter. Criteria: ACMG Guidelines, 2015. Collection method: not provided. Allele origin: germline. Inheritance: Unknown mechanism. Affected: yes.

PreventionGenetics, part of Exact Sciences
Classification: Likely benign for PLEKHM2-related condition. Last evaluated: 2021-04-07. Review status: no assertion criteria provided. Collection method: clinical testing. Allele origin: germline. Not counted in ClinVar's aggregate classification.
Comment: This variant is classified as likely benign based on ACMG/AMP sequence variant interpretation guidelines (Richards et al. 2015 PMID: 25741868, with internal and published modifications).

NM_015164.4(PLEKHM2):c.2228G>A (p.Arg743His)

Gene: PLEKHM2 (pleckstrin homology and RUN domain containing M2; plus strand). Cytogenetic location: 1p36.21.
Variant type: single nucleotide variant.
Coding change: c.2228G>A on transcript NM_015164.4 (MANE Select); coding-DNA position 2228, G replaced by A.
Protein change: p.Arg743His; replaces arginine 743 with histidine.
Molecular consequence: missense variant.
Genome position (GRCh38, 1-based): chr1:15,730,551, G>A. VCF-style: chr1-15730551-G-A. GRCh37 (hg19) VCF-style: chr1-16057046-G-A.
Other names: short protein forms R743H.
Identifiers: ClinVar variation 478080 (VCV000478080.17), dbSNP rs200700186, ClinGen allele CA617193.